The following is an entry in ClinVar:

NM_152703.5(SAMD9L):c.909T>C (p.Phe303=)

Gene: SAMD9L (sterile alpha motif domain containing 9 like; minus strand). Cytogenetic location: 7q21.2.
Variant type: single nucleotide variant.
Coding change: c.909T>C on transcript NM_152703.5 (MANE Select); coding-DNA position 909, T replaced by C.
Protein change: p.Phe303=; no amino-acid change (phenylalanine 303 retained).
Molecular consequence: synonymous variant.
Genome position (GRCh38, 1-based): chr7:93,135,063, A>G on the plus strand (T>C on the coding strand, the complement: SAMD9L is on the minus strand). VCF-style: chr7-93135063-A-G. GRCh37 (hg19) VCF-style: chr7-92764376-A-G.
Other names: c.909T>C (NM_152703.2, NM_152703.3); c.909T>C, p.Phe303= (NM_001303496.3, NM_001303497.3, NM_001303498.3 and 5 more transcripts).
Identifiers: ClinVar variation 1919092 (VCV001919092.8), dbSNP rs759954164, ClinGen allele CA4343793.

ClinVar aggregate classification (germline): Likely benign. Review status: criteria provided, multiple submitters, no conflicts (2 of 4 stars). 3 submissions from 3 submitters: Likely benign (2). 1 of the submissions does not count toward it. Last evaluated 2025-09-19.

Conditions:
SAMD9L-related disorder. Also called: SAMD9L-related disorders; SAMD9L-related condition.
Inborn genetic diseases. Identifiers: MedGen C0950123, MeSH D030342.

Allele frequency attached by ClinVar (database versions not stated): ExAC 0.00001; gnomAD 0.00007.

Submissions (3):

Labcorp Genetics (formerly Invitae), Labcorp
Classification: Likely benign. Last evaluated: 2025-09-19. Review status: criteria provided, single submitter. Criteria: Invitae Variant Classification Sherloc (09022015). Collection method: clinical testing. Allele origin: germline.

Ambry Genetics
Classification: Likely benign for Inborn genetic diseases. Last evaluated: 2024-11-23. Review status: criteria provided, single submitter. Criteria: Ambry Variant Classification Scheme 2023. Collection method: clinical testing. Allele origin: germline.

PreventionGenetics, part of Exact Sciences
Classification: Likely benign for SAMD9L-related condition. Last evaluated: 2021-02-08. Review status: no assertion criteria provided. Collection method: clinical testing. Allele origin: germline. Not counted in ClinVar's aggregate classification.
Comment: This variant is classified as likely benign based on ACMG/AMP sequence variant interpretation guidelines (Richards et al. 2015 PMID: 25741868, with internal and published modifications).